The following is an entry in ClinVar:

NM_032043.3(BRIP1):c.753C>T (p.Arg251=)

Gene: BRIP1 (BRCA1 interacting DNA helicase 1; minus strand). Cytogenetic location: 17q23.2.
Variant type: single nucleotide variant.
Coding change: c.753C>T on transcript NM_032043.3 (MANE Select); coding-DNA position 753, C replaced by T.
Protein change: p.Arg251=; no amino-acid change (arginine 251 retained).
Molecular consequence: synonymous variant.
Genome position (GRCh38, 1-based): chr17:61,808,632, G>A on the plus strand (C>T on the coding strand, the complement: BRIP1 is on the minus strand). VCF-style: chr17-61808632-G-A. GRCh37 (hg19) VCF-style: chr17-59885993-G-A.
Identifiers: ClinVar variation 231870 (VCV000231870.19), dbSNP rs876659416, ClinGen allele CA10580860.

ClinVar aggregate classification (germline): Benign/Likely benign. Review status: criteria provided, multiple submitters, no conflicts (2 of 4 stars). 5 submissions from 5 submitters: Benign (1); Likely benign (4). Last evaluated 2025-11-10.

Conditions:
Hereditary cancer-predisposing syndrome. Also called: Hereditary Cancer Syndrome; Neoplastic Syndromes, Hereditary; Tumor predisposition; Hereditary neoplastic syndrome. Identifiers: Orphanet 140162, MedGen C0027672, MeSH D009386, MONDO:0015356.
Fanconi anemia complementation group J. Also called: BRIP1-Related Fanconi Anemia. Identifiers: Orphanet 84, MedGen C1836860, MONDO:0012187, OMIM 609054.
Familial cancer of breast. Also called: Hereditary breast cancer; hereditary breast carcinoma; BREAST CANCER, FAMILIAL. Identifiers: Orphanet 227535, MedGen C0346153, MONDO:0016419, OMIM 114480. Disease mechanism: loss of function.

Allele frequency attached by ClinVar (database versions not stated): gnomAD exomes below 0.00001; TOPMed below 0.00001; gnomAD 0.00001.
gnomAD v4.1: 3 of 1,613,846 alleles (0.00019%); highest among the groups gnomAD compares: Non-Finnish European, 0.00025%; no homozygotes.

Submissions (5):

Labcorp Genetics (formerly Invitae), Labcorp
Classification: Likely benign for Familial cancer of breast; Fanconi anemia complementation group J. Last evaluated: 2025-11-10. Review status: criteria provided, single submitter. Criteria: Invitae Variant Classification Sherloc (09022015). Collection method: clinical testing. Allele origin: germline.

Myriad Genetics, Inc.
Classification: Benign for Familial cancer of breast. Last evaluated: 2024-08-22. Review status: criteria provided, single submitter. Criteria: Myriad Autosomal Dominant, Autosomal Recessive and X-Linked Classification Criteria (2023). Collection method: clinical testing. Allele origin: unknown.
Comment: This variant is considered benign. This variant is a silent/synonymous amino acid change and it is not expected to impact splicing.

GeneDx
Classification: Likely benign. Last evaluated: 2021-02-18. Review status: criteria provided, single submitter. Criteria: GeneDx Variant Classification Process June 2021. Collection method: clinical testing. Allele origin: germline. Affected: yes.
Comment: This variant is associated with the following publications: (PMID: 19101574)

Color Diagnostics, LLC DBA Color Health
Classification: Likely benign for Hereditary cancer-predisposing syndrome. Last evaluated: 2017-11-09. Review status: criteria provided, single submitter. Criteria: ACMG Guidelines, 2015. Collection method: clinical testing. Allele origin: germline.

Ambry Genetics
Classification: Likely benign for Hereditary cancer-predisposing syndrome. Last evaluated: 2015-05-18. Review status: criteria provided, single submitter. Criteria: Ambry Variant Classification Scheme 2023. Collection method: clinical testing. Allele origin: germline.